The following is an entry in ClinVar:

NM_005529.7(HSPG2):c.3414+5G>A

Gene: HSPG2 (heparan sulfate proteoglycan 2; minus strand). Cytogenetic location: 1p36.12.
Variant type: single nucleotide variant.
Coding change: c.3414+5G>A on transcript NM_005529.7 (MANE Select); 5 bases into the intron after coding-DNA position 3414, G replaced by A.
Molecular consequence: intron variant.
Genome position (GRCh38, 1-based): chr1:21,874,886, C>T on the plus strand (G>A on the coding strand, the complement: HSPG2 is on the minus strand). VCF-style: chr1-21874886-C-T. GRCh37 (hg19) VCF-style: chr1-22201379-C-T.
Other names: c.3414+5G>A (NM_005529.5); c.3417+5G>A (NM_001291860.2).
Identifiers: ClinVar variation 1702429 (VCV001702429.7), dbSNP rs764695599, ClinGen allele CA672660.

ClinVar aggregate classification (germline): Uncertain significance. Review status: criteria provided, multiple submitters, no conflicts (2 of 4 stars). 3 submissions from 3 submitters: Uncertain significance (3). Last evaluated 2024-03-18.

Conditions:
Lethal Kniest-like syndrome (DDSH). Also called: Dyssegmental Dysplasia. Identifiers: Orphanet 1865, MedGen C1857100, MONDO:0009140, OMIM 224410.
Schwartz-Jampel syndrome type 1 (SJS1). Also called: MYOTONIC MYOPATHY, DWARFISM, CHONDRODYSTROPHY, AND OCULAR AND FACIAL ABNORMALITIES; CHONDRODYSTROPHIC MYOTONIA. Identifiers: MedGen C4551479, MONDO:0100435, OMIM 255800.
Inborn genetic diseases. Identifiers: MedGen C0950123, MeSH D030342.
Connective tissue disorder. Also called: Connective tissue disease. Identifiers: MedGen C0009782, MONDO:0003900.

Allele frequency attached by ClinVar (database versions not stated): gnomAD 0.00002; TOPMed 0.00003.
gnomAD v4.1: 80 of 1,607,910 alleles (0.005%); highest among the groups gnomAD compares: Non-Finnish European, 0.0065%; no homozygotes.

Submissions (3):

Fulgent Genetics
Classification: Uncertain significance for Lethal Kniest-like syndrome; Schwartz-Jampel syndrome type 1. Last evaluated: 2024-03-18. Review status: criteria provided, single submitter. Criteria: ACMG Guidelines, 2015. Collection method: clinical testing. Allele origin: germline.

Ambry Genetics
Classification: Uncertain significance for Inborn genetic diseases. Last evaluated: 2020-11-04. Review status: criteria provided, single submitter. Criteria: Ambry Variant Classification Scheme 2023. Collection method: clinical testing. Allele origin: germline.
Comment: The c.3414+5G>A intronic alteration results from a G to A substitution 5 nucleotides after exon 25 (coding exon 25) of the HSPG2 gene. Based on data from the Genome Aggregation Database (gnomAD) database, the HSPG2 c.3414+5G>A alteration was observed in 0.004% (11/273330) of total alleles studied, with a frequency of 0.009% (11/124264) in the European (non-Finnish) subpopulation. This nucleotide position is highly conserved in available vertebrate species. In silico splice site analysis predicts that this alteration will result in the creation or strengthening of a novel splice donor site. Based on insufficient or conflicting evidence, the clinical significance of this alteration remains unclear.

Genome Diagnostics Laboratory, The Hospital for Sick Children
Classification: Uncertain significance for Connective tissue disorder. Last evaluated: 2020-01-01. Review status: criteria provided, single submitter. Criteria: ACMG Guidelines, 2015. Collection method: clinical testing. Allele origin: germline.